The following is an entry in ClinVar:

NM_203487.3(PCDH9):c.3051C>A (p.Ser1017Arg)

Genes: PCDH9 (protocadherin 9; minus strand), PCDH9-AS2 (PCDH9 antisense RNA 2; plus strand). Cytogenetic location: 13q21.32.
Variant type: single nucleotide variant.
Coding change: c.3051C>A on transcript NM_203487.3 (MANE Select); coding-DNA position 3051, C replaced by A.
Protein change: p.Ser1017Arg; replaces serine 1017 with arginine.
Molecular consequence: missense variant. On other transcripts: intron variant (2).
Genome position (GRCh38, 1-based): chr13:66,903,591, G>T on the plus strand (C>A on the coding strand, the complement: PCDH9 is on the minus strand). VCF-style: chr13-66903591-G-T. GRCh37 (hg19) VCF-style: chr13-67477723-G-T.
Other names: c.3051C>A, p.Ser1017Arg (NM_001318372.2); c.3037-272306C>A (NM_001318373.2); c.3037-272180C>A (NM_020403.5); short protein forms S1017R.
Identifiers: ClinVar variation 2643837 (VCV002643837.24), dbSNP rs149470963, ClinGen allele CA6998538.

ClinVar aggregate classification (germline): Likely benign (1 of 4 stars; one submission).

Allele frequency attached by ClinVar (database versions not stated): ESP Exome Variant Server 0.00108; 1000 Genomes Project 30x 0.00109; 1000 Genomes Project 0.00140; gnomAD exomes 0.00155; ExAC 0.00205.
gnomAD v4.1: 2,281 of 1,507,656 alleles (0.15%); highest among the groups gnomAD compares: South Asian, 0.69%; 10 homozygotes.

Submission:

CeGaT Center for Human Genetics Tuebingen
Classification: Likely benign. Last evaluated: 2024-07-01. Review status: criteria provided, single submitter. Criteria: CeGaT Center For Human Genetics Tuebingen Variant Classification Criteria Version 2. Collection method: clinical testing. Allele origin: germline. Affected: yes. Observed: 2 variant alleles.
Comment: PCDH9: BP4, BS2